The following is an entry in ClinVar:

ClinVar aggregate classification (germline): Uncertain significance (1 of 4 stars; one submission).

Conditions:
Succinyl-CoA acetoacetate transferase deficiency (SCOTD). Also called: SCOT DEFICIENCY; SUCCINYL-CoA:3-KETOACID CoA-TRANSFERASE DEFICIENCY; 3-Oxoacid CoA Transferase Deficiency; Succinyl CoA:3-oxoacid CoA transferase deficiency; KETOACIDOSIS DUE TO SCOT DEFICIENCY. Identifiers: Orphanet 832, MedGen C0342792, MONDO:0009492, OMIM 245050.

Submission:

Labcorp Genetics (formerly Invitae), Labcorp
Classification: Uncertain significance for Succinyl-CoA acetoacetate transferase deficiency. Last evaluated: 2022-07-18. Review status: criteria provided, single submitter. Criteria: Invitae Variant Classification Sherloc (09022015). Collection method: clinical testing. Allele origin: germline.
Comment: In summary, the available evidence is currently insufficient to determine the role of this variant in disease. Therefore, it has been classified as a Variant of Uncertain Significance. Algorithms developed to predict the effect of missense changes on protein structure and function are either unavailable or do not agree on the potential impact of this missense change (SIFT: "Deleterious"; PolyPhen-2: "Benign"; Align-GVGD: "Class C0"). This variant has not been reported in the literature in individuals affected with OXCT1-related conditions. This variant is not present in population databases (gnomAD no frequency). This sequence change replaces proline, which is neutral and non-polar, with leucine, which is neutral and non-polar, at codon 514 of the OXCT1 protein (p.Pro514Leu).

NM_000436.4(OXCT1):c.1541C>T (p.Pro514Leu)

Gene: OXCT1 (3-oxoacid CoA-transferase 1; minus strand). Cytogenetic location: 5p13.1.
Variant type: single nucleotide variant.
Coding change: c.1541C>T on transcript NM_000436.4 (MANE Select); coding-DNA position 1541, C replaced by T.
Protein change: p.Pro514Leu; replaces proline 514 with leucine.
Molecular consequence: missense variant. On other transcripts: non-coding transcript variant (1).
Genome position (GRCh38, 1-based): chr5:41,731,751, G>A on the plus strand (C>T on the coding strand, the complement: OXCT1 is on the minus strand). VCF-style: chr5-41731751-G-A. GRCh37 (hg19) VCF-style: chr5-41731853-G-A.
Other names: c.1562C>T, p.Pro521Leu (NM_001364299.2, NM_001364300.2); c.1535C>T, p.Pro512Leu (NM_001364301.2); c.1451C>T, p.Pro484Leu (NM_001364302.2); c.983C>T, p.Pro328Leu (NM_001364303.2); short protein forms P328L, P512L, P514L, P484L, P521L.
Identifiers: ClinVar variation 2045451 (VCV002045451.4), dbSNP rs2478215386, ClinGen allele CA359681330.